The following is an entry in ClinVar:

NM_012431.3(SEMA3E):c.1690C>T (p.Arg564Ter)

Gene: SEMA3E (semaphorin 3E; minus strand). Cytogenetic location: 7q21.11.
Variant type: single nucleotide variant.
Coding change: c.1690C>T on transcript NM_012431.3 (MANE Select); coding-DNA position 1690, C replaced by T.
Protein change: p.Arg564Ter; replaces arginine 564 with a stop codon.
Molecular consequence: nonsense.
Genome position (GRCh38, 1-based): chr7:83,387,028, G>A on the plus strand (C>T on the coding strand, the complement: SEMA3E is on the minus strand). VCF-style: chr7-83387028-G-A. GRCh37 (hg19) VCF-style: chr7-83016344-G-A.
Other names: c.1510C>T, p.Arg504Ter (NM_001178129.2); short protein forms R564*, R504*.
Identifiers: ClinVar variation 664543 (VCV000664543.9), dbSNP rs1420638220, ClinGen allele CA367922072.

ClinVar aggregate classification (germline): Uncertain significance. Review status: criteria provided, multiple submitters, no conflicts (2 of 4 stars). 2 submissions from 2 submitters: Uncertain significance (2). Last evaluated 2025-07-06.

Conditions:
SEMA3E-related disorder. Also called: SEMA3E-related condition.
CHARGE syndrome (CHARGE). Also called: Coloboma, heart anomaly, choanal atresia, retardation, genital and ear anomalies; CHARGE association; Hall-Hittner syndrome; Hittner Hirsch Kreh syndrome; CHARGE ASSOCIATION--COLOBOMA, HEART ANOMALY, CHOANAL ATRESIA, RETARDATION, GENITAL AND EAR ANOMALIES. Identifiers: Orphanet 138, MedGen C0265354, MONDO:0008965.

Allele frequency attached by ClinVar (database versions not stated): gnomAD exomes below 0.00001 and 0.00001.
gnomAD v4.1: 4 of 1,612,988 alleles (0.00025%); highest among the groups gnomAD compares: Admixed American, 0.0017%; no homozygotes.

Submissions (2):

Labcorp Genetics (formerly Invitae), Labcorp
Classification: Uncertain significance for CHARGE syndrome. Last evaluated: 2025-07-06. Review status: criteria provided, single submitter. Criteria: Invitae Variant Classification Sherloc (09022015). Collection method: clinical testing. Allele origin: germline.
Comment: This sequence change creates a premature translational stop signal (p.Arg564*) in the SEMA3E gene. It is expected to result in an absent or disrupted protein product. However, the current clinical and genetic evidence is not sufficient to establish whether loss-of-function variants in SEMA3E cause disease. The frequency data for this variant in the population databases is considered unreliable, as metrics indicate poor data quality at this position in the gnomAD database. This variant has not been reported in the literature in individuals affected with SEMA3E-related conditions. ClinVar contains an entry for this variant (Variation ID: 664543). In summary, the available evidence is currently insufficient to determine the role of this variant in disease. Therefore, it has been classified as a Variant of Uncertain Significance.

PreventionGenetics, part of Exact Sciences
Classification: Uncertain significance for SEMA3E-related condition. Last evaluated: 2024-12-18. Review status: criteria provided, single submitter. Criteria: ACMG Guidelines, 2015. Collection method: clinical testing. Allele origin: germline.
Comment: The SEMA3E c.1690C>T variant is predicted to result in premature protein termination (p.Arg564*). To our knowledge, this variant has not been reported in the literature. This variant is reported in 0.0029% of alleles in individuals of Latino descent in gnomAD. Few chain-terminating variants in SEMA3E are reported and loss of function has not been conclusively established as a mechanism for SEMA3E-related disorders. At this time, the clinical significance of this variant is uncertain due to the absence of conclusive functional and genetic evidence.